The following is an entry in ClinVar:

NM_000814.6(GABRB3):c.241-7465G>A

Gene: GABRB3 (gamma-aminobutyric acid type A receptor subunit beta3; minus strand). Cytogenetic location: 15q12.
Variant type: single nucleotide variant.
Coding change: c.241-7465G>A on transcript NM_000814.6 (MANE Select); 7465 bases into the intron before coding-DNA position 241, G replaced by A.
Molecular consequence: intron variant. On other transcripts: nonsense (1), non-coding transcript variant (1).
Genome position (GRCh38, 1-based): chr15:26,628,999, C>T on the plus strand (G>A on the coding strand, the complement: GABRB3 is on the minus strand). VCF-style: chr15-26628999-C-T. GRCh37 (hg19) VCF-style: chr15-26874146-C-T.
Other names: c.5G>A, p.Trp2Ter (NM_001191321.3); c.241-7465G>A (NM_021912.5); c.-15-7465G>A (NM_001278631.2, NM_001191320.2); short protein forms W2*.
Identifiers: ClinVar variation 1166312 (VCV001166312.10), dbSNP rs990895163, ClinGen allele CA268162441.

ClinVar aggregate classification (germline): Benign. Review status: criteria provided, single submitter (1 of 4 stars). 2 submissions from 2 submitters: Benign (1). 1 of the submissions does not count toward it. Last evaluated 2022-08-10.

Conditions:
Epilepsy, childhood absence, susceptibility to, 5. Identifiers: Orphanet 64280, MedGen C2677087, MONDO:0012843, OMIM 612269.
Epilepsy, childhood absence, susceptibility to, 1. Also called: Epilepsy, childhood absence 1. Identifiers: Orphanet 64280, MedGen C1838604, MONDO:0020759, OMIM 600131.

Allele frequency attached by ClinVar (database versions not stated): gnomAD 0.00003 and 0.00004; gnomAD exomes 0.00003 and 0.00008; TOPMed 0.00009.
gnomAD v4.1: 49 of 1,536,052 alleles (0.0032%); highest among the groups gnomAD compares: East Asian, 0.098%; no homozygotes.

Submissions (2):

Labcorp Genetics (formerly Invitae), Labcorp
Classification: Benign for Epilepsy, childhood absence, susceptibility to, 5; Epilepsy, childhood absence, susceptibility to, 1. Last evaluated: 2022-08-10. Review status: criteria provided, single submitter. Criteria: Invitae Variant Classification Sherloc (09022015). Collection method: clinical testing. Allele origin: germline.

Department of Neurology, Affiliated Hospital of Jining Medical University
Classification: Uncertain significance. Last evaluated: 2023-05-11. Review status: no assertion criteria provided. Collection method: research. Allele origin: inherited. Affected: yes. Observed: 3 variant alleles. Clinical features observed: Epilepsy. Not counted in ClinVar's aggregate classification.
Comment: Gamma-aminobutyric acid type A (GABAA) receptors mediate most of the rapid inhibitory neurotransmission that occurs in the brain. They are mostly formed by the co-assembly of two α, two β, and one γ subunits.The correct expression of each subunit gene is therefore important for GABAA receptor function.When genetic alterations result in the inability of some mutated subunits to pair with normal subunits, GABA receptor assembly is affected, and the receptors do not function properly. In this study, the gene mutation is located in GABRB3, had a GABRB3 nonsense mutation (c.5G>A, p.Trp2*) ,that is, the second amino acid encoded by it changes from tryptophan (TRP) to the stop codon, resulting in early termination of protein translation and changes in protein spatial structure.This mutation is associated with the following publications: PMID:29390378